The following is an entry in ClinVar:

NM_000038.6(APC):c.2379A>G (p.Gln793=)

Gene: APC (APC regulator of Wnt signaling pathway; plus strand). Cytogenetic location: 5q22.2.
Variant type: single nucleotide variant.
Coding change: c.2379A>G on transcript NM_000038.6 (MANE Select); coding-DNA position 2379, A replaced by G.
Protein change: p.Gln793=; no amino-acid change (glutamine 793 retained).
Molecular consequence: synonymous variant.
Genome position (GRCh38, 1-based): chr5:112,837,973, A>G. VCF-style: chr5-112837973-A-G. GRCh37 (hg19) VCF-style: chr5-112173670-A-G.
Other names: c.2379A>G, p.Gln793= (NM_001127510.3, NM_001354895.2); c.2325A>G, p.Gln775= (NM_001127511.3); c.2433A>G, p.Gln811= (NM_001354896.2); c.2409A>G, p.Gln803= (NM_001354897.2); c.2304A>G, p.Gln768= (NM_001354898.2); c.2295A>G, p.Gln765= (NM_001354899.2); c.2256A>G, p.Gln752= (NM_001354900.2); c.2202A>G, p.Gln734= (NM_001354901.2); and 5 more.
Identifiers: ClinVar variation 537587 (VCV000537587.17), dbSNP rs1554084111, ClinGen allele CA445963424.
Genomic context (GRCh38, chr5:112,837,973, plus strand): 5'-TGACAATATAGACAATTTAAGTCCCAAGGCATCTCATCGTAGTAAGCAGAGACACAAGCA[A>G]AGTCTCTATGGTGATTATGTTTTTGACACCAATCGACATGATGATAATAGGTCAGACAAT-3'
Protein context (NP_000029.2, residues 783-803): ASHRSKQRHK[Gln793=]SLYGDYVFDT

ClinVar aggregate classification (germline): Benign/Likely benign. Review status: criteria provided, multiple submitters, no conflicts (2 of 4 stars). 4 submissions from 4 submitters: Benign (1); Likely benign (3). Last evaluated 2026-02-03.

Conditions:
Hereditary cancer-predisposing syndrome. Also called: Tumor predisposition; Hereditary Cancer Syndrome; Hereditary neoplastic syndrome; Neoplastic Syndromes, Hereditary. Identifiers: Orphanet 140162, MedGen C0027672, MeSH D009386, MONDO:0015356.
Familial adenomatous polyposis 1 (FAP1). Also called: FAMILIAL ADENOMATOUS POLYPOSIS 1, ATTENUATED; POLYPOSIS, ADENOMATOUS INTESTINAL. Identifiers: MedGen C2713442, MONDO:0021056, OMIM 175100. Disease mechanism: loss of function.

Allele frequency attached by ClinVar (database versions not stated): gnomAD exomes below 0.00001.

Submissions (4):

Labcorp Genetics (formerly Invitae), Labcorp
Classification: Likely benign for Familial adenomatous polyposis 1. Last evaluated: 2026-02-03. Review status: criteria provided, single submitter. Criteria: Invitae Variant Classification Sherloc (09022015). Collection method: clinical testing. Allele origin: germline.

Myriad Genetics, Inc.
Classification: Benign for Familial adenomatous polyposis 1. Last evaluated: 2024-03-12. Review status: criteria provided, single submitter. Criteria: Myriad Autosomal Dominant, Autosomal Recessive and X-Linked Classification Criteria (2023). Collection method: clinical testing. Allele origin: unknown.
Comment: This variant is considered benign. This variant is a silent/synonymous amino acid change and it is not expected to impact splicing.

Ambry Genetics
Classification: Likely benign for Hereditary cancer-predisposing syndrome. Last evaluated: 2023-03-17. Review status: criteria provided, single submitter. Criteria: Ambry Variant Classification Scheme 2023. Collection method: clinical testing. Allele origin: germline.

Color Diagnostics, LLC DBA Color Health
Classification: Likely benign for Hereditary cancer-predisposing syndrome. Last evaluated: 2019-09-03. Review status: criteria provided, single submitter. Criteria: ACMG Guidelines, 2015. Collection method: clinical testing. Allele origin: germline.